The following is an entry in ClinVar:

Conditions:
Breast-ovarian cancer, familial, susceptibility to, 1 (BROVCA1). Also called: BRCA1 Hereditary Breast and Ovarian Cancer; OVARIAN CANCER, SUSCEPTIBILITY TO. Identifiers: Orphanet 145, MedGen C2676676, MONDO:0011450, OMIM 604370. Disease mechanism: loss of function.

Submission:

Brotman Baty Institute, University of Washington
No classification provided (evidence only). Condition: Breast-ovarian cancer, familial 1. Review status: no classification provided. Collection method: in vitro. Allele origin: not applicable. Functional consequence: functionally_normal.
ClinVar note: "not provided" was previously submitted as the classification for the variant. However, the classification appeared to be based only on an observation of functional data so it was converted to no classification on 2025-07-30.

NM_007294.4(BRCA1):c.5333A>C (p.Asp1778Ala)

Gene: BRCA1 (BRCA1 DNA repair associated; minus strand). Cytogenetic location: 17q21.31.
Variant type: single nucleotide variant.
Coding change: c.5333A>C on transcript NM_007294.4 (MANE Select); coding-DNA position 5333, A replaced by C.
Protein change: p.Asp1778Ala; replaces aspartic acid 1778 with alanine.
Molecular consequence: missense variant. On other transcripts: non-coding transcript variant (1), intron variant (1).
Genome position (GRCh38, 1-based): chr17:43,049,194, T>G on the plus strand (A>C on the coding strand, the complement: BRCA1 is on the minus strand). VCF-style: chr17-43049194-T-G. GRCh37 (hg19) VCF-style: chr17-41201211-T-G.
Other names: c.5120A>C, p.Asp1707Ala (NM_001407571.1, NM_001407899.1, NM_001407900.1 and 12 more transcripts); c.5399A>C, p.Asp1800Ala (NM_001407581.1, NM_001407582.1); c.5396A>C, p.Asp1799Ala (NM_001407583.1, NM_001407585.1, NM_001407587.1 and 1 more transcripts); c.5393A>C, p.Asp1798Ala (NM_001407590.1, NM_001407591.1); c.5333A>C, p.Asp1778Ala (NM_001407593.1, NM_001407594.1, NM_001407596.1 and 5 more transcripts); c.5330A>C, p.Asp1777Ala (NM_001407610.1, NM_001407611.1, NM_001407622.1 and 14 more transcripts); c.5327A>C, p.Asp1776Ala (NM_001407627.1, NM_001407628.1, NM_001407629.1 and 13 more transcripts); c.5324A>C, p.Asp1775Ala (NM_001407644.1, NM_001407645.1); and 73 more; short protein forms D1778A, D1731A, D1799A, D674A, D1482A, D1651A, D1666A, D1667A.
Identifiers: ClinVar variation 865354 (VCV000865354.3), dbSNP rs80357041, ClinGen allele CA10590800.